The following is an entry in ClinVar:

ClinVar aggregate classification (germline): Likely benign. Review status: criteria provided, single submitter (1 of 4 stars). 2 submissions from 2 submitters: Likely benign (1). 1 of the submissions does not count toward it. Last evaluated 2026-02-03.

Conditions:
BSND-related disorder. Also called: BSND-related condition.

Allele frequency attached by ClinVar (database versions not stated): gnomAD exomes 0.00002; ExAC 0.00003; 1000 Genomes Project 30x 0.00016; 1000 Genomes Project 0.00020.
gnomAD v4.1: 24 of 1,614,174 alleles (0.0015%); highest among the groups gnomAD compares: South Asian, 0.012%; no homozygotes.

Submissions (2):

Labcorp Genetics (formerly Invitae), Labcorp
Classification: Likely benign. Last evaluated: 2026-02-03. Review status: criteria provided, single submitter. Criteria: Invitae Variant Classification Sherloc (09022015). Collection method: clinical testing. Allele origin: germline.

PreventionGenetics, part of Exact Sciences
Classification: Likely benign for BSND-related condition. Last evaluated: 2019-05-28. Review status: no assertion criteria provided. Collection method: clinical testing. Allele origin: germline. Not counted in ClinVar's aggregate classification.
Comment: This variant is classified as likely benign based on ACMG/AMP sequence variant interpretation guidelines (Richards et al. 2015 PMID: 25741868, with internal and published modifications).

NM_057176.3(BSND):c.570C>T (p.Gly190=)

Gene: BSND (barttin CLCNK type accessory subunit beta; plus strand). Cytogenetic location: 1p32.3.
Variant type: single nucleotide variant.
Coding change: c.570C>T on transcript NM_057176.3 (MANE Select); coding-DNA position 570, C replaced by T.
Protein change: p.Gly190=; no amino-acid change (glycine 190 retained).
Molecular consequence: synonymous variant.
Genome position (GRCh38, 1-based): chr1:55,008,235, C>T. VCF-style: chr1-55008235-C-T. GRCh37 (hg19) VCF-style: chr1-55473908-C-T.
Other names: c.570C>T (NM_057176.2).
Identifiers: ClinVar variation 1144059 (VCV001144059.11), dbSNP rs368273749, ClinGen allele CA871375.